The following is an entry in ClinVar:

NM_017890.5(VPS13B):c.4176G>A (p.Trp1392Ter)

Gene: VPS13B (vacuolar protein sorting 13 homolog B; plus strand). Cytogenetic location: 8q22.2.
Variant type: single nucleotide variant.
Coding change: c.4176G>A on transcript NM_017890.5 (MANE Plus Clinical); coding-DNA position 4176, G replaced by A.
Protein change: p.Trp1392Ter; replaces tryptophan 1392 with a stop codon.
Molecular consequence: nonsense. On other transcripts: intron variant (1).
Genome position (GRCh38, 1-based): chr8:99,507,788, G>A. VCF-style: chr8-99507788-G-A. GRCh37 (hg19) VCF-style: chr8-100520016-G-A.
Other names: c.4224+585G>A (NM_152564.5); short protein forms W1392*.
Identifiers: ClinVar variation 2008301 (VCV002008301.4), dbSNP rs2490496771, ClinGen allele CA371870523.
Genomic context (GRCh38, chr8:99,507,788, plus strand): 5'-TTTTGTCTTTTCACCTTCTTTGCTCCTGTCCATCACTTCAAGCCTTGGGGAAGAGTGTTG[G>A]TCTTTGGGGCAATGTGGAGGTGTCTTCCTTTCCTGTACTGACAAGCTGAACAGACGCACC-3'

ClinVar aggregate classification (germline): Pathogenic (1 of 4 stars; one submission).

Conditions:
Cohen syndrome (COH1). Also called: PEPPER SYNDROME; Cutis verticis gyrata, retinitis pigmentosa, and sensorineural deafness. Identifiers: Orphanet 193, MedGen C0265223, MONDO:0008999, OMIM 216550.

Allele frequency attached by ClinVar (database versions not stated): gnomAD exomes below 0.00001.
gnomAD v4.1: 1 of 1,613,952 alleles (0.000062%); highest among the groups gnomAD compares: South Asian, 0.0011%; no homozygotes.

Submission:

Labcorp Genetics (formerly Invitae), Labcorp
Classification: Pathogenic for Cohen syndrome. Last evaluated: 2022-12-10. Review status: criteria provided, single submitter. Criteria: Invitae Variant Classification Sherloc (09022015). Collection method: clinical testing. Allele origin: germline.
Comment: For these reasons, this variant has been classified as Pathogenic. This variant has not been reported in the literature in individuals affected with VPS13B-related conditions. This variant is not present in population databases (gnomAD no frequency). This sequence change creates a premature translational stop signal (p.Trp1392*) in the VPS13B gene. It is expected to result in an absent or disrupted protein product. Loss-of-function variants in VPS13B are known to be pathogenic (PMID: 15141358, 16648375, 20461111).

Literature cited by the submitters: PubMed 15141358; PubMed 16648375; PubMed 20461111.